The following is an entry in ClinVar:

ClinVar aggregate classification (germline): Uncertain significance (1 of 4 stars; one submission).

gnomAD v4.1: 20 of 1,610,918 alleles (0.0012%); highest among the groups gnomAD compares: Non-Finnish European, 0.0014%; no homozygotes.

Submission:

Labcorp Genetics (formerly Invitae), Labcorp
Classification: Uncertain significance. Last evaluated: 2024-07-03. Review status: criteria provided, single submitter. Criteria: Invitae Variant Classification Sherloc (09022015). Collection method: clinical testing. Allele origin: germline.
Comment: This sequence change replaces proline, which is neutral and non-polar, with serine, which is neutral and polar, at codon 2600 of the DCHS1 protein (p.Pro2600Ser). This variant is present in population databases (rs758445717, gnomAD 0.0009%). This variant has not been reported in the literature in individuals affected with DCHS1-related conditions. Advanced modeling of protein sequence and biophysical properties (such as structural, functional, and spatial information, amino acid conservation, physicochemical variation, residue mobility, and thermodynamic stability) performed at Invitae indicates that this missense variant is not expected to disrupt DCHS1 protein function with a negative predictive value of 80%. In summary, the available evidence is currently insufficient to determine the role of this variant in disease. Therefore, it has been classified as a Variant of Uncertain Significance.

NM_003737.4(DCHS1):c.7798C>T (p.Pro2600Ser)

Gene: DCHS1 (dachsous cadherin-related 1; minus strand). Cytogenetic location: 11p15.4.
Variant type: single nucleotide variant.
Coding change: c.7798C>T on transcript NM_003737.4 (MANE Select); coding-DNA position 7798, C replaced by T.
Protein change: p.Pro2600Ser; replaces proline 2600 with serine.
Molecular consequence: missense variant.
Genome position (GRCh38, 1-based): chr11:6,623,878, G>A on the plus strand (C>T on the coding strand, the complement: DCHS1 is on the minus strand). VCF-style: chr11-6623878-G-A. GRCh37 (hg19) VCF-style: chr11-6645109-G-A.
Other names: short protein forms P2600S.
Identifiers: ClinVar variation 3628558 (VCV003628558.2).